The following is an entry in ClinVar:

NM_032776.3(JMJD1C):c.668T>C (p.Met223Thr)

Gene: JMJD1C (jumonji domain containing 1C; minus strand). Cytogenetic location: 10q21.3.
Variant type: single nucleotide variant.
Coding change: c.668T>C on transcript NM_032776.3 (MANE Select); coding-DNA position 668, T replaced by C.
Protein change: p.Met223Thr; replaces methionine 223 with threonine.
Molecular consequence: missense variant. On other transcripts: 5 prime UTR variant (1), non-coding transcript variant (1).
Genome position (GRCh38, 1-based): chr10:63,217,217, A>G on the plus strand (T>C on the coding strand, the complement: JMJD1C is on the minus strand). VCF-style: chr10-63217217-A-G. GRCh37 (hg19) VCF-style: chr10-64976977-A-G.
Other names: c.122T>C, p.Met41Thr (NM_001282948.2, NM_001318154.2); c.-201T>C (NM_001318153.2); c.554T>C, p.Met185Thr (NM_001322252.2); c.11T>C, p.Met4Thr (NM_001322254.2, NM_001322258.2); short protein forms M185T, M223T, M41T, M4T.
Identifiers: ClinVar variation 1061056 (VCV001061056.9), dbSNP rs981695480, ClinGen allele CA208378633.

ClinVar aggregate classification (germline): Uncertain significance (1 of 4 stars; one submission).

Conditions:
Early Myoclonic Encephalopathy. Identifiers: MedGen C0270855.

Allele frequency attached by ClinVar (database versions not stated): gnomAD exomes 0.00001 and 0.00002; gnomAD 0.00003; TOPMed 0.00002.
gnomAD v4.1: 21 of 1,608,744 alleles (0.0013%); highest among the groups gnomAD compares: Admixed American, 0.0068%; no homozygotes.

Submission:

Labcorp Genetics (formerly Invitae), Labcorp
Classification: Uncertain significance for Early Myoclonic Encephalopathy. Last evaluated: 2020-03-02. Review status: criteria provided, single submitter. Criteria: Invitae Variant Classification Sherloc (09022015). Collection method: clinical testing. Allele origin: germline.
Comment: This variant has not been reported in the literature in individuals with JMJD1C-related conditions. This sequence change replaces methionine with threonine at codon 223 of the JMJD1C protein (p.Met223Thr). The methionine residue is weakly conserved and there is a moderate physicochemical difference between methionine and threonine. This variant is not present in population databases (ExAC no frequency). Algorithms developed to predict the effect of missense changes on protein structure and function are either unavailable or do not agree on the potential impact of this missense change (SIFT: "Tolerated"; PolyPhen-2: "Possibly Damaging"; Align-GVGD: "Class C0"). In summary, the available evidence is currently insufficient to determine the role of this variant in disease. Therefore, it has been classified as a Variant of Uncertain Significance.